The following is an entry in ClinVar:

NM_003900.5(SQSTM1):c.165C>A (p.Phe55Leu)

Genes: SQSTM1 (sequestosome 1; plus strand), LOC129995449 (ATAC-STARR-seq lymphoblastoid silent region 16749; plus strand). Cytogenetic location: 5q35.3.
Variant type: single nucleotide variant.
Coding change: c.165C>A on transcript NM_003900.5 (MANE Select); coding-DNA position 165, C replaced by A.
Protein change: p.Phe55Leu; replaces phenylalanine 55 with leucine.
Molecular consequence: missense variant. On other transcripts: intron variant (2).
Genome position (GRCh38, 1-based): chr5:179,821,101, C>A. VCF-style: chr5-179821101-C-A. GRCh37 (hg19) VCF-style: chr5-179248101-C-A.
Other names: c.-47-1857C>A (NM_001142298.2, NM_001142299.2); short protein forms F55L.
Identifiers: ClinVar variation 353155 (VCV000353155.6), dbSNP rs886060501, ClinGen allele CA10621553.
Genomic context (GRCh38, chr5:179,821,101, plus strand): 5'-CGAGGCTGCGGCGGGTCCGGGACCCTGCGAGCGGCTGCTGAGCCGGGTGGCCGCCCTGTT[C>A]CCCGCGCTGCGGCCTGGCGGCTTCCAGGCGCACTACCGCGGTGAGCGGGCCGGGGAGCGG-3'
Protein context (NP_003891.1, residues 45-65): ERLLSRVAAL[Phe55Leu]PALRPGGFQA

ClinVar aggregate classification (germline): Uncertain significance. Review status: criteria provided, multiple submitters, no conflicts (2 of 4 stars). 2 submissions from 2 submitters: Uncertain significance (2). Last evaluated 2024-10-09.

Conditions:
Paget disease of bone 3. Identifiers: MedGen C4085252, MONDO:0008176, OMIM 167250.

gnomAD v4.1: 1 of 1,421,346 alleles (0.00007%); no homozygotes.

Submissions (2):

GeneDx
Classification: Uncertain significance. Last evaluated: 2024-10-09. Review status: criteria provided, single submitter. Criteria: GeneDx Variant Classification Process June 2021. Collection method: clinical testing. Allele origin: germline. Affected: yes.
Comment: Not observed at significant frequency in large population cohorts (gnomAD); In silico analysis supports that this missense variant has a deleterious effect on protein structure/function; Has not been previously published as pathogenic or benign to our knowledge

Illumina Laboratory Services, Illumina
Classification: Uncertain significance for Paget disease of bone 3. Last evaluated: 2018-01-12. Review status: criteria provided, single submitter. Criteria: ICSL Variant Classification Criteria 13 December 2019. Collection method: clinical testing. Allele origin: germline.